The following is an entry in ClinVar:

ClinVar aggregate classification (germline): Likely pathogenic (1 of 4 stars; one submission).

Conditions:
Hereditary cancer-predisposing syndrome. Also called: Neoplastic Syndromes, Hereditary; Tumor predisposition; Hereditary Cancer Syndrome; Hereditary neoplastic syndrome. Identifiers: Orphanet 140162, MedGen C0027672, MeSH D009386, MONDO:0015356.

Submission:

Ambry Genetics
Classification: Likely pathogenic for Hereditary cancer-predisposing syndrome. Last evaluated: 2020-02-12. Review status: criteria provided, single submitter. Criteria: Ambry Variant Classification Scheme 2023. Collection method: clinical testing. Allele origin: germline.
Comment: The c.163+2dupT intronic variant, results from a duplication of one nucleotide at nucleotide position 163 after intron 2 of the PMS2 gene. This nucleotide position is highly conserved in available vertebrate species. This splice prediction software predicts that this alteration will abolish the native splice donor site. Alterations that disrupt the canonical splice site are expected to cause aberrant splicing, resulting in an abnormal protein or a transcript that is subject to nonsense-mediated mRNA decay. As such, this alteration is classified as likely pathogenic.

NM_000535.7(PMS2):c.163+2dup

Gene: PMS2 (PMS1 homolog 2, mismatch repair system component; minus strand). Cytogenetic location: 7p22.1.
Variant type: Duplication.
Coding change: c.163+2dup on transcript NM_000535.7 (MANE Select); the canonical splice donor site of the intron after coding-DNA position 163, one base duplicated (T; older notation c.163+2dupT).
Molecular consequence: splice donor variant. On other transcripts: intron variant (3).
Genome position (GRCh38, 1-based): chr7:6,005,890, A duplicated on the plus strand (T on the coding strand, the reverse complement: PMS2 is on the minus strand). VCF-style (leftmost placement, unchanged base first): chr7-6005889-T-TA. GRCh37 (hg19) VCF-style: chr7-6045520-T-TA.
Other names: c.-52-1832dup (NM_001322008.2); c.-242-1832dup (NM_001322010.2, NM_001322004.2); c.-243+2dup (NM_001322013.2, NM_001322003.2, NM_001322009.2 and 1 more transcripts); c.-722+2dup (NM_001322012.2, NM_001322011.2); c.-322+2dup (NM_001322015.2); c.-53+2dup (NM_001322007.2); c.163+2dup (NM_001322006.2, NM_001322014.2).
Identifiers: ClinVar variation 1776811 (VCV001776811.2), dbSNP rs2536579397, ClinGen allele CA2580077206.